The following is an entry in ClinVar:

NM_001286611.2(REPS1):c.1345G>A (p.Ala449Thr)

Gene: REPS1 (RALBP1 associated Eps domain containing 1; minus strand). Cytogenetic location: 6q24.1.
Variant type: single nucleotide variant.
Coding change: c.1345G>A on transcript NM_001286611.2 (MANE Select); coding-DNA position 1345, G replaced by A.
Protein change: p.Ala449Thr; replaces alanine 449 with threonine.
Molecular consequence: missense variant.
Genome position (GRCh38, 1-based): chr6:138,921,118, C>T on the plus strand (G>A on the coding strand, the complement: REPS1 is on the minus strand). VCF-style: chr6-138921118-C-T. GRCh37 (hg19) VCF-style: chr6-139242255-C-T.
Other names: c.1264G>A, p.Ala422Thr (NM_001128617.3, NM_001286612.2); c.1345G>A, p.Ala449Thr (NM_031922.5); short protein forms A449T, A422T.
Identifiers: ClinVar variation 2798159 (VCV002798159.3), dbSNP rs776859898, ClinGen allele CA4024194.
Genomic context (GRCh38, chr6:138,921,118, plus strand): 5'-CCATTTCCTGCATGTGGATTTTGCTTGGAGTCATACGAATGGGAACTGGATGAACAATAG[C>T]AGTATCCTAGAGACAAATGGGAGGAAATAAAGAATTTGTATTAAAATGTCAAGCTAATGC-3'
Protein context (NP_001273540.1, residues 439-459): SNIAPADPDT[Ala449Thr]IVHPVPIRMT

ClinVar aggregate classification (germline): Uncertain significance (1 of 4 stars; one submission).

Allele frequency attached by ClinVar (database versions not stated): ExAC 0.00001; TOPMed 0.00001.

Submission:

Labcorp Genetics (formerly Invitae), Labcorp
Classification: Uncertain significance. Last evaluated: 2023-03-30. Review status: criteria provided, single submitter. Criteria: Invitae Variant Classification Sherloc (09022015). Collection method: clinical testing. Allele origin: germline.
Comment: This variant is present in population databases (rs776859898, gnomAD 0.007%). In summary, the available evidence is currently insufficient to determine the role of this variant in disease. Therefore, it has been classified as a Variant of Uncertain Significance. Advanced modeling of protein sequence and biophysical properties (such as structural, functional, and spatial information, amino acid conservation, physicochemical variation, residue mobility, and thermodynamic stability) performed at Invitae indicates that this missense variant is not expected to disrupt REPS1 protein function. This variant has not been reported in the literature in individuals affected with REPS1-related conditions. This sequence change replaces alanine, which is neutral and non-polar, with threonine, which is neutral and polar, at codon 449 of the REPS1 protein (p.Ala449Thr).